The following is an entry in ClinVar:

NM_002769.5(PRSS1):c.516A>T (p.Glu172Asp)

Genes: PRSS1 (serine protease 1; plus strand), TRB (T cell receptor beta locus; plus strand). Cytogenetic location: 7q34.
Variant type: single nucleotide variant.
Coding change: c.516A>T on transcript NM_002769.5 (MANE Select); coding-DNA position 516, A replaced by T.
Protein change: p.Glu172Asp; replaces glutamic acid 172 with aspartic acid.
Molecular consequence: missense variant. On other transcripts: non-coding transcript variant (5).
Genome position (GRCh38, 1-based): chr7:142,752,492, A>T. VCF-style: chr7-142752492-A-T. GRCh37 (hg19) VCF-style: chr7-142460343-A-T.
Other names: short protein forms E172D.
Identifiers: ClinVar variation 3426328 (VCV003426328.1).
Genomic context (GRCh38, chr7:142,752,492, plus strand): 5'-CGACTACCCAGACGAGCTGCAGTGCCTGGATGCTCCTGTGCTGAGCCAGGCTAAGTGTGA[A>T]GCCTCCTACCCTGGAAAGATTACCAGCAACATGTTCTGTGTGGGCTTCCTTGAGGGAGGC-3'
Protein context (NP_002760.1, residues 162-182): DAPVLSQAKC[Glu172Asp]ASYPGKITSN

ClinVar aggregate classification (germline): Uncertain significance (1 of 4 stars; one submission).

Conditions:
Hereditary pancreatitis (PCTT). Also called: Hereditary chronic pancreatitis; PRSS1-Related Hereditary Pancreatitis. Identifiers: Orphanet 676, MedGen C0238339, MONDO:0008185, OMIM 167800.

gnomAD v4.1: 5 of 1,614,178 alleles (0.00031%); highest among the groups gnomAD compares: Non-Finnish European, 0.00042%; no homozygotes.

Submission:

Ambry Genetics
Classification: Uncertain significance for Hereditary pancreatitis. Last evaluated: 2024-09-15. Review status: criteria provided, single submitter. Criteria: Ambry Variant Classification Scheme 2023. Collection method: clinical testing. Allele origin: germline.
Comment: The p.E172D variant (also known as c.516A>T), located in coding exon 4 of the PRSS1 gene, results from an A to T substitution at nucleotide position 516. The glutamic acid at codon 172 is replaced by aspartic acid, an amino acid with highly similar properties. This amino acid position is conserved. In addition, this alteration is predicted to be tolerated by in silico analysis. Based on the available evidence, the clinical significance of this variant remains unclear.